The following is an entry in ClinVar:

ClinVar aggregate classification (germline): Benign/Likely benign. Review status: criteria provided, multiple submitters, no conflicts (2 of 4 stars). 3 submissions from 3 submitters: Benign (1); Likely benign (2). Last evaluated 2025-07-27.

Conditions:
Hereditary cancer-predisposing syndrome. Also called: Tumor predisposition; Neoplastic Syndromes, Hereditary; Hereditary Cancer Syndrome; Hereditary neoplastic syndrome. Identifiers: Orphanet 140162, MedGen C0027672, MeSH D009386, MONDO:0015356.
Tuberous sclerosis 2 (TSC2). Identifiers: Orphanet 805, MedGen C1860707, MONDO:0013199, OMIM 613254.

Submissions (3):

Labcorp Genetics (formerly Invitae), Labcorp
Classification: Likely benign for Tuberous sclerosis 2. Last evaluated: 2025-07-27. Review status: criteria provided, single submitter. Criteria: Invitae Variant Classification Sherloc (09022015). Collection method: clinical testing. Allele origin: germline.

Myriad Genetics, Inc.
Classification: Benign for Tuberous sclerosis 2. Last evaluated: 2025-05-13. Review status: criteria provided, single submitter. Criteria: Myriad Autosomal Dominant, Autosomal Recessive and X-Linked Classification Criteria (2023). Collection method: clinical testing. Allele origin: unknown.
Comment: This variant is considered benign. This variant is a silent/synonymous amino acid change and it is not expected to impact splicing.

Ambry Genetics
Classification: Likely benign for Hereditary cancer-predisposing syndrome. Last evaluated: 2024-07-19. Review status: criteria provided, single submitter. Criteria: Ambry Variant Classification Scheme 2023. Collection method: clinical testing. Allele origin: germline.

NM_000548.5(TSC2):c.1281C>T (p.Ile427=)

Gene: TSC2 (TSC complex subunit 2; plus strand). Cytogenetic location: 16p13.3.
Variant type: single nucleotide variant.
Coding change: c.1281C>T on transcript NM_000548.5 (MANE Select); coding-DNA position 1281, C replaced by T.
Protein change: p.Ile427=; no amino-acid change (isoleucine 427 retained).
Molecular consequence: synonymous variant.
Genome position (GRCh38, 1-based): chr16:2,062,520, C>T. VCF-style: chr16-2062520-C-T. GRCh37 (hg19) VCF-style: chr16-2112521-C-T.
Other names: c.1281C>T, p.Ile427= (NM_001077183.3, NM_001114382.3, NM_001363528.2 and 3 more transcripts); c.1170C>T, p.Ile390= (NM_001318827.2); c.1134C>T, p.Ile378= (NM_001318829.2); c.681C>T, p.Ile227= (NM_001318831.2); c.1314C>T, p.Ile438= (NM_001318832.2); c.1281C>T (NM_000548.3).
Identifiers: ClinVar variation 1095758 (VCV001095758.11), dbSNP rs45478892, ClinGen allele CA492962393.
Genomic context (GRCh38, chr16:2,062,520, plus strand): 5'-AGGGGCAGAGGGGCAACACCGGCTCTTCTTTTGACAGGAGTCCTCCCTCCTGAACCTGAT[C>T]TCCTATAGAGCGCAGTCCATCCACCCGGCCAAGGACGGCTGGATTCAGAACCTGCAGGCG-3'
Protein context (NP_000539.2, residues 417-437): QRPESSLLNL[Ile427=]SYRAQSIHPA